The following is an entry in ClinVar:

ClinVar aggregate classification (germline): Uncertain significance (1 of 4 stars; one submission).

Conditions:
Cardiovascular phenotype. Identifiers: MedGen CN230736.

gnomAD v4.1: 1 of 1,614,162 alleles (0.000062%); highest among the groups gnomAD compares: Non-Finnish European, 0.000085%; no homozygotes.

Submission:

Ambry Genetics
Classification: Uncertain significance for Cardiovascular phenotype. Last evaluated: 2024-09-08. Review status: criteria provided, single submitter. Criteria: Ambry Variant Classification Scheme 2023. Collection method: clinical testing. Allele origin: germline.
Comment: The p.R474C variant (also known as c.1420C>T), located in coding exon 11 of the TRPM4 gene, results from a C to T substitution at nucleotide position 1420. The arginine at codon 474 is replaced by cysteine, an amino acid with highly dissimilar properties. This amino acid position is conserved. In addition, this alteration is predicted to be tolerated by in silico analysis. Based on the available evidence, the clinical significance of this variant remains unclear.

NM_017636.4(TRPM4):c.1420C>T (p.Arg474Cys)

Gene: TRPM4 (transient receptor potential cation channel subfamily M member 4; plus strand). Cytogenetic location: 19q13.33.
Variant type: single nucleotide variant.
Coding change: c.1420C>T on transcript NM_017636.4 (MANE Select); coding-DNA position 1420, C replaced by T.
Protein change: p.Arg474Cys; replaces arginine 474 with cysteine.
Molecular consequence: missense variant. On other transcripts: 5 prime UTR variant (1).
Genome position (GRCh38, 1-based): chr19:49,182,734, C>T. VCF-style: chr19-49182734-C-T. GRCh37 (hg19) VCF-style: chr19-49685991-C-T.
Other names: c.1420C>T, p.Arg474Cys (NM_001195227.2); c.1075C>T, p.Arg359Cys (NM_001321281.2); c.-134C>T (NM_001321282.2); c.898C>T, p.Arg300Cys (NM_001321283.2); c.358C>T, p.Arg120Cys (NM_001321285.2); short protein forms R359C, R474C, R120C, R300C.
Identifiers: ClinVar variation 3462146 (VCV003462146.1).
Genomic context (GRCh38, chr19:49,182,734, plus strand): 5'-TTCCTGACCCCGATGCGCCTGGCCCAACTCTACAGCGCGGCGCCCTCCAACTCGCTCATC[C>T]GCAACCTTTTGGACCAGGCGTCCCACAGCGCAGGCACCAAAGCCCCAGCCCTAAAAGGGG-3'
Protein context (NP_060106.2, residues 464-484): YSAAPSNSLI[Arg474Cys]NLLDQASHSA